The following is an entry in ClinVar:

ClinVar aggregate classification (germline): Uncertain significance. Review status: criteria provided, multiple submitters, no conflicts (2 of 4 stars). 3 submissions from 3 submitters: Uncertain significance (3). Last evaluated 2025-06-10.

Conditions:
Hereditary pancreatitis (PCTT). Also called: PRSS1-Related Hereditary Pancreatitis; Hereditary chronic pancreatitis. Identifiers: Orphanet 676, MedGen C0238339, MONDO:0008185, OMIM 167800.

Allele frequency attached by ClinVar (database versions not stated): gnomAD exomes below 0.00001; gnomAD 0.00001.
gnomAD v4.1: 4 of 1,023,390 alleles (0.00039%); highest among the groups gnomAD compares: Admixed American, 0.0078%; no homozygotes.

Submissions (3):

Labcorp Genetics (formerly Invitae), Labcorp
Classification: Uncertain significance for Hereditary pancreatitis. Last evaluated: 2025-06-10. Review status: criteria provided, single submitter. Criteria: Invitae Variant Classification Sherloc (09022015). Collection method: clinical testing. Allele origin: germline.
Comment: This sequence change replaces arginine, which is basic and polar, with leucine, which is neutral and non-polar, at codon 68 of the PRSS1 protein (p.Arg68Leu). The frequency data for this variant in the population databases is considered unreliable, as metrics indicate poor data quality at this position in the gnomAD database. This variant has not been reported in the literature in individuals affected with PRSS1-related conditions. ClinVar contains an entry for this variant (Variation ID: 1052271). An algorithm developed to predict the effect of missense changes on protein structure and function (PolyPhen-2) suggests that this variant is likely to be tolerated. In summary, the available evidence is currently insufficient to determine the role of this variant in disease. Therefore, it has been classified as a Variant of Uncertain Significance.

Ambry Genetics
Classification: Uncertain significance for Hereditary pancreatitis. Last evaluated: 2024-12-02. Review status: criteria provided, single submitter. Criteria: Ambry Variant Classification Scheme 2023. Collection method: clinical testing. Allele origin: germline.
Comment: The p.R68L variant (also known as c.203G>T), located in coding exon 3 of the PRSS1 gene, results from a G to T substitution at nucleotide position 203. The arginine at codon 68 is replaced by leucine, an amino acid with dissimilar properties. This amino acid position is not well conserved in available vertebrate species. In addition, the in silico prediction for this alteration is inconclusive. Since supporting evidence is limited at this time, the clinical significance of this alteration remains unclear.

KCCC/NGS Laboratory, Kuwait Cancer Control Center
Classification: Uncertain significance for Hereditary pancreatitis. Last evaluated: 2023-07-07. Review status: criteria provided, single submitter. Criteria: ACMG Guidelines, 2015. Collection method: clinical testing. Allele origin: unknown. Affected: yes.
Comment: This sequence change replaces arginine with leucine at codon 203 of the PRSS1 protein (p.Arg68Leu). The cationic trypsinogen (PRSS1) gene have been identified as risk factors of Hereditary pancreatitis (HP) . As long-lasting inflammation generates a tumor promoting environment and represents a major risk factor for tumor development . This variant is not present in population databases (gnomAD). In-silico predictions show pathogeneic computational verdict based on (MetaRNN, REVEL, DANN, DEOGEN2, FATHMM, FATHMM-MKL, LRT, M-CAP, MVP, MutPred, MutationTaster, PROVEAN and SIFT). These predictions have not verified by functional studies. ClinVar has an entry for this variant (1052271) associated with autosomal dominant hereditary pancreatitis. In summary, the available evidence is currently insufficient to determine the role of this variant in disease. Therefore, it has been classified as a Variant of Uncertain Significance.

NM_002769.5(PRSS1):c.203G>T (p.Arg68Leu)

Genes: PRSS1 (serine protease 1; plus strand), TRB (T cell receptor beta locus; plus strand). Cytogenetic location: 7q34.
Variant type: single nucleotide variant.
Coding change: c.203G>T on transcript NM_002769.5 (MANE Select); coding-DNA position 203, G replaced by T.
Protein change: p.Arg68Leu; replaces arginine 68 with leucine.
Molecular consequence: missense variant.
Genome position (GRCh38, 1-based): chr7:142,751,776, G>T. VCF-style: chr7-142751776-G-T. GRCh37 (hg19) VCF-style: chr7-142459627-G-T.
Other names: short protein forms R68L.
Identifiers: ClinVar variation 1052271 (VCV001052271.12), dbSNP rs757111793, ClinGen allele CA4529877.